The following is an entry in ClinVar:

ClinVar aggregate classification (germline): Pathogenic. Review status: criteria provided, multiple submitters, no conflicts (2 of 4 stars). 4 submissions from 4 submitters: Pathogenic (4). Last evaluated 2025-07-21.

Conditions:
Coffin-Lowry syndrome (CLS). Also called: COFFIN-LOWRY SYNDROME, MILD; Mental retardation with osteocartilaginous abnormalities. Identifiers: Orphanet 192, MedGen C0265252, MONDO:0010561, OMIM 303600.
Intellectual developmental disorder, X-linked 19. Also called: Intellectual disability, X-linked 19. Identifiers: Orphanet 777, MedGen C0796225, MONDO:0010447, OMIM 300844.

Submissions (4):

GeneDx
Classification: Pathogenic. Last evaluated: 2025-07-21. Review status: criteria provided, single submitter. Criteria: GeneDx Variant Classification Process June 2021. Collection method: clinical testing. Allele origin: germline. Affected: yes.
Comment: Nonsense variant predicted to result in protein truncation or nonsense mediated decay in a gene for which loss of function is a known mechanism of disease; Not observed at significant frequency in large population cohorts (gnomAD); This variant is associated with the following publications: (PMID: 11180593, 25525159, 28425089, 9837815)

Labcorp Genetics (formerly Invitae), Labcorp
Classification: Pathogenic for Coffin-Lowry syndrome; Intellectual developmental disorder, X-linked 19. Last evaluated: 2024-05-05. Review status: criteria provided, single submitter. Criteria: Invitae Variant Classification Sherloc (09022015). Collection method: clinical testing. Allele origin: germline.
Comment: This sequence change creates a premature translational stop signal (p.Arg112*) in the RPS6KA3 gene. It is expected to result in an absent or disrupted protein product. Loss-of-function variants in RPS6KA3 are known to be pathogenic (PMID: 9837815, 19888300). This variant is not present in population databases (gnomAD no frequency). This premature translational stop signal has been observed in individual(s) with Coffin-Lowry syndrome (PMID: 9837815). ClinVar contains an entry for this variant (Variation ID: 547762). Algorithms developed to predict the effect of sequence changes on RNA splicing suggest that this variant may disrupt the consensus splice site. For these reasons, this variant has been classified as Pathogenic.

Clinical Genetics Laboratory, Skane University Hospital Lund
Classification: Pathogenic. Last evaluated: 2022-05-27. Review status: criteria provided, single submitter. Criteria: ACMG Guidelines, 2015. Collection method: clinical testing. Allele origin: germline. Affected: yes.

Center for Human Genetics, Inc
Classification: Pathogenic for Coffin-Lowry syndrome. Last evaluated: 2016-11-01. Review status: criteria provided, single submitter. Criteria: ACMG Guidelines, 2015. Collection method: clinical testing. Allele origin: germline. Affected: yes.

Literature cited by the submitters: PubMed 9837815 (cited by Labcorp Genetics (formerly Invitae), Labcorp); PubMed 19888300 (cited by Labcorp Genetics (formerly Invitae), Labcorp).

NM_004586.3(RPS6KA3):c.334C>T (p.Arg112Ter)

Gene: RPS6KA3 (ribosomal protein S6 kinase A3; minus strand). Cytogenetic location: Xp22.12.
Variant type: single nucleotide variant.
Coding change: c.334C>T on transcript NM_004586.3 (MANE Select); coding-DNA position 334, C replaced by T.
Protein change: p.Arg112Ter; replaces arginine 112 with a stop codon.
Molecular consequence: nonsense.
Genome position (GRCh38, 1-based): chrX:20,195,137, G>A on the plus strand (C>T on the coding strand, the complement: RPS6KA3 is on the minus strand). VCF-style: chrX-20195137-G-A. GRCh37 (hg19) VCF-style: chrX-20213255-G-A.
Other names: short protein forms R112*.
Identifiers: ClinVar variation 547762 (VCV000547762.5), dbSNP rs1555943479, ClinGen allele CA412511061.